The following is an entry in ClinVar:

ClinVar aggregate classification (germline): Likely benign (1 of 4 stars; one submission).

Allele frequency attached by ClinVar (database versions not stated): ExAC 0.00007.

Submission:

CeGaT Center for Human Genetics Tuebingen
Classification: Likely benign. Last evaluated: 2023-04-01. Review status: criteria provided, single submitter. Criteria: CeGaT Center For Human Genetics Tuebingen Variant Classification Criteria Version 2. Collection method: clinical testing. Allele origin: germline. Affected: yes. Observed: 1 variant allele.
Comment: FLG: BP4, BP7

NM_002016.2(FLG):c.9165G>A (p.Thr3055=)

Genes: CCDST (cervical cancer associated DHX9 suppressive transcript; plus strand), FLG (filaggrin; minus strand). Cytogenetic location: 1q21.3.
Variant type: single nucleotide variant.
Coding change: c.9165G>A on transcript NM_002016.2 (MANE Select); coding-DNA position 9165, G replaced by A.
Protein change: p.Thr3055=; no amino-acid change (threonine 3055 retained).
Molecular consequence: synonymous variant.
Genome position (GRCh38, 1-based): chr1:152,305,721, C>T on the plus strand (G>A on the coding strand, the complement: FLG is on the minus strand). VCF-style: chr1-152305721-C-T. GRCh37 (hg19) VCF-style: chr1-152278197-C-T.
Identifiers: ClinVar variation 2639254 (VCV002639254.24), dbSNP rs748191657, ClinGen allele CA1103911.